The following is an entry in ClinVar:

NM_145059.3(FCSK):c.1337G>A (p.Trp446Ter)

Gene: FCSK (fucose kinase; plus strand). Cytogenetic location: 16q22.1.
Variant type: single nucleotide variant.
Coding change: c.1337G>A on transcript NM_145059.3 (MANE Select); coding-DNA position 1337, G replaced by A.
Protein change: p.Trp446Ter; replaces tryptophan 446 with a stop codon.
Molecular consequence: nonsense.
Genome position (GRCh38, 1-based): chr16:70,471,348, G>A. VCF-style: chr16-70471348-G-A. GRCh37 (hg19) VCF-style: chr16-70505251-G-A.
Other names: short protein forms W446*.
Identifiers: ClinVar variation 3251179 (VCV003251179.18), dbSNP rs2048612922.

ClinVar aggregate classification (germline): Uncertain significance (1 of 4 stars; one submission).

Submission:

CeGaT Center for Human Genetics Tuebingen
Classification: Uncertain significance. Last evaluated: 2024-06-01. Review status: criteria provided, single submitter. Criteria: CeGaT Center For Human Genetics Tuebingen Variant Classification Criteria Version 2. Collection method: clinical testing. Allele origin: germline. Affected: yes. Observed: 1 variant allele.
Comment: FCSK: PM2, PVS1:Moderate